The following is an entry in ClinVar:

ClinVar aggregate classification (germline): Likely benign (1 of 4 stars; one submission).

Conditions:
Familial isolated arrhythmogenic right ventricular dysplasia. Identifiers: Orphanet 217656, MedGen C4274968, MONDO:0016342.

Submission:

All of Us Research Program, National Institutes of Health
Classification: Likely benign for Familial isolated arrhythmogenic right ventricular dysplasia. Last evaluated: 2023-06-08. Review status: criteria provided, single submitter. Criteria: ACMG Guidelines, 2015. Collection method: clinical testing. Allele origin: germline. Inheritance: Autosomal dominant inheritance. Observed: 1 variant allele, 1 heterozygote.
Comment: This study involves interpretation of variants in research participants for the purpose of population health screening. Participant phenotype was not available at the time of variant classification. Additional details can be found in publication PMID: 35346344, PMCID: PMC8962531

NM_024422.6(DSC2):c.2253T>C (p.Tyr751=)

Gene: DSC2 (desmocollin 2; minus strand). Cytogenetic location: 18q12.1.
Variant type: single nucleotide variant.
Coding change: c.2253T>C on transcript NM_024422.6 (MANE Select); coding-DNA position 2253, T replaced by C.
Protein change: p.Tyr751=; no amino-acid change (tyrosine 751 retained).
Molecular consequence: synonymous variant.
Genome position (GRCh38, 1-based): chr18:31,069,149, A>G on the plus strand (T>C on the coding strand, the complement: DSC2 is on the minus strand). VCF-style: chr18-31069149-A-G. GRCh37 (hg19) VCF-style: chr18-28649115-A-G.
Other names: c.1824T>C, p.Tyr608= (NM_001406506.1, NM_001406507.1); c.2253T>C, p.Tyr751= (NM_004949.5).
Identifiers: ClinVar variation 3071676 (VCV003071676.1), dbSNP rs2510938282, ClinGen allele CA503384699.